The following is an entry in ClinVar:

NM_004666.3(VNN1):c.334C>T (p.Arg112Cys)

Gene: VNN1 (vanin 1; minus strand). Cytogenetic location: 6q23.2.
Variant type: single nucleotide variant.
Coding change: c.334C>T on transcript NM_004666.3 (MANE Select); coding-DNA position 334, C replaced by T.
Protein change: p.Arg112Cys; replaces arginine 112 with cysteine.
Molecular consequence: missense variant.
Genome position (GRCh38, 1-based): chr6:132,711,716, G>A on the plus strand (C>T on the coding strand, the complement: VNN1 is on the minus strand). VCF-style: chr6-132711716-G-A. GRCh37 (hg19) VCF-style: chr6-133032855-G-A.
Other names: c.334C>T (NM_004666.2); short protein forms R112C.
Identifiers: ClinVar variation 1048838 (VCV001048838.5), dbSNP rs746738777, ClinGen allele CA4005767.

ClinVar aggregate classification (germline): Uncertain significance. Review status: criteria provided, single submitter (1 of 4 stars). 2 submissions from 2 submitters: Uncertain significance (1). 1 of the submissions does not count toward it. Last evaluated 2025-10-07.

Allele frequency attached by ClinVar (database versions not stated): TOPMed 0.00002; gnomAD 0.00003; ExAC 0.00003; gnomAD exomes 0.00002 and 0.00005.
gnomAD v4.1: 72 of 1,609,984 alleles (0.0045%); highest among the groups gnomAD compares: East Asian, 0.0067%; no homozygotes.

Submissions (2):

Ambry Genetics
Classification: Uncertain significance. Last evaluated: 2025-10-07. Review status: criteria provided, single submitter. Criteria: Ambry Variant Classification Scheme 2023. Collection method: clinical testing. Allele origin: germline.

Department of Pathology and Laboratory Medicine, Sinai Health System
Classification: Uncertain significance. Review status: no assertion criteria provided. Collection method: clinical testing. Allele origin: unknown. Affected: yes. Study: The Canadian Open Genetics Repository (COGR). Not counted in ClinVar's aggregate classification.
Comment: The VNN1 p.Arg112Cys variant was not identified in the literature nor was it identified in ClinVar, Cosmic or LOVD 3.0. The variant was identified in dbSNP (ID: rs746738777) and in control databases in 7 of 278708 chromosomes at a frequency of 0.000025 (Genome Aggregation Database Feb 27, 2017). The variant was observed in the following populations: African in 2 of 24906 chromosomes (freq: 0.00008), South Asian in 2 of 29460 chromosomes (freq: 0.000068), East Asian in 1 of 19826 chromosomes (freq: 0.00005) and European (non-Finnish) in 2 of 127958 chromosomes (freq: 0.000016), but not in the Latino, Ashkenazi Jewish, European (Finnish), and Other populations. The p.Arg112 residue is not conserved in mammals and computational analyses (PolyPhen-2, SIFT, AlignGVGD, BLOSUM, MutationTaster) provide inconsistent predictions regarding the impact to the protein; this information is not very predictive of pathogenicity. The variant occurs outside of the splicing consensus sequence and in silico or computational prediction software programs (SpliceSiteFinder, MaxEntScan, NNSPLICE, GeneSplicer) do not predict a difference in splicing. In summary, based on the above information the clinical significance of this variant cannot be determined with certainty at this time. This variant is classified as a variant of uncertain significance.